The following is an entry in ClinVar:

ClinVar aggregate classification (germline): Likely pathogenic (1 of 4 stars; one submission).

Conditions:
Wiedemann-Steiner syndrome (WDSTS). Also called: Growth deficiency and mental retardation with facial dysmorphism. Identifiers: Orphanet 319182, MedGen C1854630, MONDO:0011518, OMIM 605130.

Submission:

Institute of Human Genetics, University of Leipzig Medical Center
Classification: Likely pathogenic for Wiedemann-Steiner syndrome. Last evaluated: 2024-05-16. Review status: criteria provided, single submitter. Criteria: ACMG Guidelines, 2015. Collection method: clinical testing. Allele origin: unknown. Inheritance: Autosomal dominant inheritance. Affected: yes.
Comment: Criteria applied: PVS1,PM2_SUP

NM_001197104.2(KMT2A):c.2206del (p.Arg736fs)

Gene: KMT2A (lysine methyltransferase 2A; plus strand). Cytogenetic location: 11q23.3.
Variant type: Deletion.
Coding change: c.2206del on transcript NM_001197104.2 (MANE Select); coding-DNA position 2206, one base deleted (A; older notation c.2206delA).
Protein change: p.Arg736fs; shifts the reading frame from arginine 736.
Molecular consequence: frameshift variant.
Genome position (GRCh38, 1-based): chr11:118,473,365, A deleted; the last of 5 consecutive A bases (chr11:118,473,361-118,473,365); deleting any one gives the same sequence. VCF-style (leftmost placement, unchanged base first): chr11-118473360-GA-G. GRCh37 (hg19) VCF-style: chr11-118344075-GA-G.
Other names: c.2305del, p.Arg769fs (NM_001412597.1); c.2206del, p.Arg736fs (NM_005933.4); short protein forms R736fs, R769fs.
Identifiers: ClinVar variation 3358950 (VCV003358950.2).
Genomic context (GRCh38, chr11:118,473,360, plus strand): 5'-CTGTAACCTTGCCTAGTAATCGAACTTCTGCTGGAACATCTTCTTCAGGAGTATCCAATA[GA>G]AAAAGGAAAAGAAAAGTGTTTAGTCCTATTCGATCTGAACCAAGATCTCCTTCTCACTCC-3'